The following is an entry in ClinVar:

ClinVar aggregate classification (germline): Uncertain significance. Review status: criteria provided, multiple submitters, no conflicts (2 of 4 stars). 2 submissions from 2 submitters: Uncertain significance (2). Last evaluated 2025-10-01.

Conditions:
Adams-Oliver syndrome 5 (AOS5). Identifiers: Orphanet 974, MedGen C4014970, MONDO:0014459, OMIM 616028.
NOTCH1-related disorder. Also called: NOTCH1-related disorders; NOTCH1-related condition.

Allele frequency attached by ClinVar (database versions not stated): gnomAD exomes below 0.00001; TOPMed below 0.00001; ExAC 0.00002.
gnomAD v4.1: 4 of 1,605,406 alleles (0.00025%); highest among the groups gnomAD compares: Non-Finnish European, 0.00034%; no homozygotes.

Submissions (2):

Labcorp Genetics (formerly Invitae), Labcorp
Classification: Uncertain significance for Adams-Oliver syndrome 5. Last evaluated: 2025-10-01. Review status: criteria provided, single submitter. Criteria: Invitae Variant Classification Sherloc (09022015). Collection method: clinical testing. Allele origin: germline.
Comment: This sequence change replaces isoleucine, which is neutral and non-polar, with valine, which is neutral and non-polar, at codon 1333 of the NOTCH1 protein (p.Ile1333Val). The frequency data for this variant in the population databases is considered unreliable, as metrics indicate poor data quality at this position in the gnomAD database. This variant has not been reported in the literature in individuals affected with NOTCH1-related conditions. ClinVar contains an entry for this variant (Variation ID: 2633051). Invitae Evidence Modeling of protein sequence and biophysical properties (such as structural, functional, and spatial information, amino acid conservation, physicochemical variation, residue mobility, and thermodynamic stability) indicates that this missense variant is not expected to disrupt NOTCH1 protein function with a negative predictive value of 80%. In summary, the available evidence is currently insufficient to determine the role of this variant in disease. Therefore, it has been classified as a Variant of Uncertain Significance.

PreventionGenetics, part of Exact Sciences
Classification: Uncertain significance for NOTCH1-related condition. Last evaluated: 2023-05-11. Review status: criteria provided, single submitter. Criteria: ACMG Guidelines, 2015. Collection method: clinical testing. Allele origin: germline.
Comment: The NOTCH1 c.3997A>G variant is predicted to result in the amino acid substitution p.Ile1333Val. To our knowledge, this variant has not been reported in the literature. This variant is reported in 0.0019% of alleles in individuals of European (Non-Finnish) descent in gnomAD. At this time, the clinical significance of this variant is uncertain due to the absence of conclusive functional and genetic evidence.

NM_017617.5(NOTCH1):c.3997A>G (p.Ile1333Val)

Gene: NOTCH1 (notch receptor 1; minus strand). Cytogenetic location: 9q34.3.
Variant type: single nucleotide variant.
Coding change: c.3997A>G on transcript NM_017617.5 (MANE Select); coding-DNA position 3997, A replaced by G.
Protein change: p.Ile1333Val; replaces isoleucine 1333 with valine.
Molecular consequence: missense variant.
Genome position (GRCh38, 1-based): chr9:136,506,544, T>C on the plus strand (A>G on the coding strand, the complement: NOTCH1 is on the minus strand). VCF-style: chr9-136506544-T-C. GRCh37 (hg19) VCF-style: chr9-139400996-T-C.
Other names: short protein forms I1333V.
Identifiers: ClinVar variation 2633051 (VCV002633051.2), dbSNP rs772084075, ClinGen allele CA5340734.